The following is an entry in ClinVar:

ClinVar aggregate classification (germline): Uncertain significance. Review status: criteria provided, multiple submitters, no conflicts (2 of 4 stars). 2 submissions from 2 submitters: Uncertain significance (2). Last evaluated 2025-04-25.

Conditions:
Inborn genetic diseases. Identifiers: MedGen C0950123, MeSH D030342.

gnomAD v4.1: 15 of 1,613,678 alleles (0.00093%); highest among the groups gnomAD compares: South Asian, 0.016%; no homozygotes.

Submissions (2):

Ambry Genetics
Classification: Uncertain significance for Inborn genetic diseases. Last evaluated: 2025-04-25. Review status: criteria provided, single submitter. Criteria: Ambry Variant Classification Scheme 2023. Collection method: clinical testing. Allele origin: germline.

GeneDx
Classification: Uncertain significance. Last evaluated: 2023-06-21. Review status: criteria provided, single submitter. Criteria: GeneDx Variant Classification Process June 2021. Collection method: clinical testing. Allele origin: germline. Affected: yes.
Comment: In silico analysis supports that this missense variant does not alter protein structure/function; Occurs in the triple helical domain at the X position in the canonical Gly-X-Y repeat; although this variant may have an effect on normal protein folding and function, missense substitution at the X position is not a common mechanism of disease; Has not been previously published as pathogenic or benign to our knowledge

NM_000091.5(COL4A3):c.2868A>T (p.Glu956Asp)

Genes: COL4A3 (collagen type IV alpha 3 chain; plus strand), MFF-DT (MFF divergent transcript; minus strand). Cytogenetic location: 2q36.3.
Variant type: single nucleotide variant.
Coding change: c.2868A>T on transcript NM_000091.5 (MANE Select); coding-DNA position 2868, A replaced by T.
Protein change: p.Glu956Asp; replaces glutamic acid 956 with aspartic acid.
Molecular consequence: missense variant.
Genome position (GRCh38, 1-based): chr2:227,284,332, A>T. VCF-style: chr2-227284332-A-T. GRCh37 (hg19) VCF-style: chr2-228149048-A-T.
Other names: short protein forms E956D.
Identifiers: ClinVar variation 3359983 (VCV003359983.2).
Genomic context (GRCh38, chr2:227,284,332, plus strand): 5'-AGGAGATAAAGGAAATCCCGGGCCTTCAGAGATATCCCACGTAATAGGGGACAAAGGAGA[A>T]CCAGGTCTCAAAGGTAAAGAATTGCTTGTTTGGAATCAGGACATCAGAGCTGATTCTCAG-3'
Protein context (NP_000082.2, residues 946-966): EISHVIGDKG[Glu956Asp]PGLKGFAGNP